The following is an entry in ClinVar:

ClinVar aggregate classification (germline): Pathogenic/Likely pathogenic. Review status: criteria provided, multiple submitters, no conflicts (2 of 4 stars). 3 submissions from 3 submitters: Pathogenic (1); Likely pathogenic (1). 1 of the submissions does not count toward it. Last evaluated 2022-09-28.

Conditions:
Autosomal recessive congenital ichthyosis 3 (ARCI3). Also called: ICHTHYOSIS, LAMELLAR, 5. Identifiers: MedGen C3539888, MONDO:0011680, OMIM 606545.

Allele frequency attached by ClinVar (database versions not stated): gnomAD 0.00002 and 0.00001; ExAC 0.00002; gnomAD exomes 0.00003 and 0.00002; TOPMed below 0.00001.
gnomAD v4.1: 35 of 1,612,120 alleles (0.0022%); highest among the groups gnomAD compares: South Asian, 0.022%; no homozygotes.

Submissions (3):

GeneDx
Classification: Likely pathogenic. Last evaluated: 2022-09-28. Review status: criteria provided, single submitter. Criteria: GeneDx Variant Classification Process June 2021. Collection method: clinical testing. Allele origin: germline. Affected: yes.
Comment: Alters the last nucleotide of an exon and is predicted to damage the splice donor site; in vitro functional analysis in a mini gene assay showed that p.(Arg145His) leads to skipping of the following exon and a frameshift, denoted as p.Arg119GlyfsX12 (Eckl et al., 2009); This variant is associated with the following publications: (PMID: 34426522, 31589614, 32978145, 19131948, 21668430)

Labcorp Genetics (formerly Invitae), Labcorp
Classification: Pathogenic. Last evaluated: 2021-10-07. Review status: criteria provided, single submitter. Criteria: Invitae Variant Classification Sherloc (09022015). Collection method: clinical testing. Allele origin: germline.
Comment: This sequence change replaces arginine with histidine at codon 145 of the ALOXE3 protein (p.Arg145His). The arginine residue is moderately conserved and there is a small physicochemical difference between arginine and histidine. RNA analysis indicates that this missense change induces altered splicing and may result in an absent or disrupted protein product. For these reasons, this variant has been classified as Pathogenic. Variants that disrupt the consensus splice site are a relatively common cause of aberrant splicing (PMID: 17576681, 9536098). Studies have shown that this missense change results in skipping of exon 4 and introduces a premature termination codon (PMID: 19131948). The resulting mRNA is expected to undergo nonsense-mediated decay. Algorithms developed to predict the effect of missense changes on protein structure and function (SIFT, PolyPhen-2, Align-GVGD) all suggest that this variant is likely to be tolerated. ClinVar contains an entry for this variant (Variation ID: 39550). This missense change has been observed in individuals with autosomal recessive congenital ichthyosis (PMID: 19131948, 21668430, 32978145; Invitae). This variant is present in population databases (rs745480657, ExAC 0.009%).

OMIM
Classification: Pathogenic for ICHTHYOSIS, CONGENITAL, AUTOSOMAL RECESSIVE 3. Last evaluated: 2009-06-01. Review status: no assertion criteria provided. Collection method: literature only. Allele origin: germline. Not counted in ClinVar's aggregate classification.

Literature cited by the submitters: PubMed 17576681 (cited by Labcorp Genetics (formerly Invitae), Labcorp); PubMed 9536098 (cited by Labcorp Genetics (formerly Invitae), Labcorp); PubMed 19131948 (cited by Labcorp Genetics (formerly Invitae), Labcorp and OMIM); PubMed 21668430 (cited by Labcorp Genetics (formerly Invitae), Labcorp); PubMed 32978145 (cited by Labcorp Genetics (formerly Invitae), Labcorp); PubMed 16116617 (cited by OMIM).

NM_021628.3(ALOXE3):c.434G>A (p.Arg145His)

Gene: ALOXE3 (arachidonate epidermal lipoxygenase 3; minus strand). Cytogenetic location: 17p13.1.
Variant type: single nucleotide variant.
Coding change: c.434G>A on transcript NM_021628.3 (MANE Select); coding-DNA position 434, G replaced by A.
Protein change: p.Arg145His; replaces arginine 145 with histidine.
Molecular consequence: missense variant.
Genome position (GRCh38, 1-based): chr17:8,115,607, C>T on the plus strand (G>A on the coding strand, the complement: ALOXE3 is on the minus strand). VCF-style: chr17-8115607-C-T. GRCh37 (hg19) VCF-style: chr17-8018925-C-T.
Other names: c.830G>A, p.Arg277His (NM_001165960.1); c.434G>A, p.Arg145His (NM_001369446.1); short protein forms R145H, R277H.
Identifiers: ClinVar variation 39550 (VCV000039550.8), dbSNP rs745480657, ClinGen allele CA8368433.